The following is an entry in ClinVar:

ClinVar aggregate classification (germline): Uncertain significance (1 of 4 stars; one submission).

Conditions:
Atypical glycine encephalopathy. Also called: Glycine encephalopathy with normal serum glycine. Identifiers: Orphanet 289863, MedGen C4310943, MONDO:0015010, OMIM 617301.

Submission:

Labcorp Genetics (formerly Invitae), Labcorp
Classification: Uncertain significance for Atypical glycine encephalopathy. Last evaluated: 2025-03-03. Review status: criteria provided, single submitter. Criteria: Invitae Variant Classification Sherloc (09022015). Collection method: clinical testing. Allele origin: germline.
Comment: This sequence change replaces alanine, which is neutral and non-polar, with threonine, which is neutral and polar, at codon 16 of the SLC6A9 protein (p.Ala16Thr). This variant is not present in population databases (gnomAD no frequency). This variant has not been reported in the literature in individuals affected with SLC6A9-related conditions. ClinVar contains an entry for this variant (Variation ID: 2113207). An algorithm developed to predict the effect of missense changes on protein structure and function (PolyPhen-2) suggests that this variant is likely to be disruptive. In summary, the available evidence is currently insufficient to determine the role of this variant in disease. Therefore, it has been classified as a Variant of Uncertain Significance.

NM_001024845.3(SLC6A9):c.31-6206G>A

Gene: SLC6A9 (solute carrier family 6 member 9; minus strand). Cytogenetic location: 1p34.1.
Variant type: single nucleotide variant.
Coding change: c.31-6206G>A on transcript NM_001024845.3 (MANE Select); 6206 bases into the intron before coding-DNA position 31, G replaced by A.
Molecular consequence: intron variant. On other transcripts: missense variant (5), non-coding transcript variant (1).
Genome position (GRCh38, 1-based): chr1:44,017,088, C>T on the plus strand (G>A on the coding strand, the complement: SLC6A9 is on the minus strand). VCF-style: chr1-44017088-C-T. GRCh37 (hg19) VCF-style: chr1-44482760-C-T.
Other names: c.46G>A, p.Ala16Thr (NM_001261380.2, NM_006934.4, NM_201649.4); c.83G>A, p.Gly28Asp (NM_001328627.1, NM_001328628.1); c.-15+7160G>A (NM_001328630.2, NM_001328626.2); c.31-6206G>A (NM_001328629.1); short protein forms A16T, G28D.
Identifiers: ClinVar variation 2113207 (VCV002113207.4), dbSNP rs2529341255, ClinGen allele CA340075015.
Genomic context (GRCh38, chr1:44,017,088, plus strand): 5'-TTCCTGGAAGGTGACTGACCTGTTCTGGGGAAGAGGGGGCCACAGGTCCATGAGCCGCGG[C>T]CATCCTGGGGCGAGCGATCGCAGCCCGCGTGTCTCCGCCGCTCATTCACACCTCTGCCAG-3'